The following is an entry in ClinVar:

NM_001384474.1(LOXHD1):c.5002C>T (p.Arg1668Ter)

Gene: LOXHD1 (lipoxygenase homology PLAT domains 1; minus strand). Cytogenetic location: 18q21.1.
Variant type: single nucleotide variant.
Coding change: c.5002C>T on transcript NM_001384474.1 (MANE Select); coding-DNA position 5002, C replaced by T.
Protein change: p.Arg1668Ter; replaces arginine 1668 with a stop codon.
Molecular consequence: nonsense.
Genome position (GRCh38, 1-based): chr18:46,522,184, G>A on the plus strand (C>T on the coding strand, the complement: LOXHD1 is on the minus strand). VCF-style: chr18-46522184-G-A. GRCh37 (hg19) VCF-style: chr18-44102147-G-A.
Other names: p.Arg1668X; c.1669C>T, p.Arg557Ter (NM_001145472.3); c.1381C>T, p.Arg461Ter (NM_001308013.2); c.5002C>T, p.Arg1668Ter (NM_144612.7); short protein forms R1668*, R461*, R557*.
Identifiers: ClinVar variation 554146 (VCV000554146.25), dbSNP rs961865375, ClinGen allele CA299800997.
Genomic context (GRCh38, chr18:46,522,184, plus strand): 5'-CATCCAAGCCTGCGACGTAGAACTCCTCCACAGAGCCACGGCTGAAGCCCCTCTTCCCTC[G>A]GGGGTAGTCCAACCAGATGCGCTTACTACGTTCATCATCCTCCCCGATGAGAAAGATGAA-3'

ClinVar aggregate classification (germline): Pathogenic/Likely pathogenic. Review status: criteria provided, multiple submitters, no conflicts (2 of 4 stars). 9 submissions from 9 submitters: Pathogenic (3); Likely pathogenic (5). 1 of the submissions does not count toward it. Last evaluated 2026-03-07.

Conditions:
Rare genetic deafness. Identifiers: Orphanet 96210, MedGen C5680250.
Autosomal recessive nonsyndromic hearing loss 77. Identifiers: Orphanet 90636, MedGen C2746083, MONDO:0013119, OMIM 613079.
LOXHD1-related disorder. Also called: LOXHD1-related condition.

Allele frequency attached by ClinVar (database versions not stated): gnomAD 0.00001; TOPMed 0.00002; gnomAD exomes 0.00007 and 0.00009.
gnomAD v4.1: 103 of 1,551,552 alleles (0.0066%); highest among the groups gnomAD compares: Admixed American, 0.014%; no homozygotes.

Submissions (9):

GeneDx
Classification: Likely pathogenic. Last evaluated: 2026-03-07. Review status: criteria provided, single submitter. Criteria: GeneDx Variant Classification Process June 2021. Collection method: clinical testing. Allele origin: germline.
Comment: Nonsense variant predicted to result in protein truncation or nonsense mediated decay in a gene for which loss of function is a known mechanism of disease; Has not been previously published as pathogenic or benign to our knowledge

PreventionGenetics, part of Exact Sciences
Classification: Likely pathogenic for LOXHD1-related condition. Last evaluated: 2025-12-23. Review status: criteria provided, single submitter. Criteria: ACMG Guidelines, 2015. Collection method: clinical testing. Allele origin: germline.
Comment: The LOXHD1 c.5002C>T variant is predicted to result in premature protein termination (p.Arg1668*). To our knowledge, this variant has not been reported in the literature. This variant is reported in 0.024% of alleles in individuals of Latino descent in gnomAD. Nonsense variants in LOXHD1 are expected to be pathogenic. This variant is interpreted as likely pathogenic.

Natera, Inc.
Classification: Likely pathogenic for Autosomal recessive deafness type 77. Last evaluated: 2025-09-17. Review status: criteria provided, single submitter. Criteria: Natera Variant Classification Schema (03/2026). Collection method: clinical testing. Allele origin: germline.
Comment: The c.5002C>T variant in LOXHD1 is a nonsense variant predicted to introduce a stop codon at amino acid 1668. This variant is expected to result in nonsense mediated decay, truncation, or a dysfunctional protein product. This variant is rare in the general population with a frequency below the threshold expected for the associated phenotype(s). Given the available evidence, this variant is classified as Likely Pathogenic.

Labcorp Genetics (formerly Invitae), Labcorp
Classification: Pathogenic. Last evaluated: 2025-08-04. Review status: criteria provided, single submitter. Criteria: Invitae Variant Classification Sherloc (09022015). Collection method: clinical testing. Allele origin: germline.
Comment: This sequence change creates a premature translational stop signal (p.Arg1668*) in the LOXHD1 gene. It is expected to result in an absent or disrupted protein product. Loss-of-function variants in LOXHD1 are known to be pathogenic (PMID: 19732867, 21465660, 25792669). This variant is present in population databases (no rsID available, gnomAD 0.02%). This variant has not been reported in the literature in individuals affected with LOXHD1-related conditions. ClinVar contains an entry for this variant (Variation ID: 554146). For these reasons, this variant has been classified as Pathogenic.

Fulgent Genetics
Classification: Likely pathogenic for Autosomal recessive nonsyndromic hearing loss 77. Last evaluated: 2024-02-17. Review status: criteria provided, single submitter. Criteria: ACMG Guidelines, 2015. Collection method: clinical testing. Allele origin: germline.

Revvity Omics, Revvity
Classification: Likely pathogenic for Autosomal recessive nonsyndromic hearing loss 77. Last evaluated: 2021-08-06. Review status: criteria provided, single submitter. Criteria: ACMG Guidelines, 2015. Collection method: clinical testing. Allele origin: germline.

Laboratory for Molecular Medicine, Mass General Brigham Personalized Medicine
Classification: Pathogenic for Rare genetic deafness. Last evaluated: 2018-03-02. Review status: criteria provided, single submitter. Criteria: LMM Criteria. Collection method: clinical testing. Allele origin: germline. Inheritance: Autosomal recessive inheritance. Observed: 1 variant allele.
Comment: This variant has been identified in 7/58016 European and 4/23958 Latino chromosomes by the Genome Aggregation Database (gnomAD; dbSNP rs961865375). Although this variant has been seen in the general population, its frequency is low enough to be consistent wit h a recessive carrier frequency. This nonsense variant leads to a premature term ination codon at position 1668 which is predicted to lead to a truncated or abse nt protein. In summary, this variant meets criteria to be classified as pathogen ic for autosomal recessive hearing loss based on the predicted impact of the var iant, low frequency in the general population and the presence of this variant w ith another LOXHD1 nonsense variant in an affected individual. ACMG/AMP Criteria applied: PVS1; PM3_Supporting; PM2_Supporting.

Kariminejad - Najmabadi Pathology & Genetics Center
Classification: Pathogenic for Autosomal recessive nonsyndromic hearing loss 77. Review status: criteria provided, single submitter. Criteria: ACMG Guidelines, 2015. Collection method: clinical testing. Allele origin: germline. Affected: no.

Counsyl
Classification: Likely pathogenic for Autosomal recessive nonsyndromic hearing loss 77. Last evaluated: 2017-09-27. Review status: no assertion criteria provided. Collection method: clinical testing. Allele origin: unknown. Not counted in ClinVar's aggregate classification.

Literature cited by the submitters: PubMed 19732867 (cited by Labcorp Genetics (formerly Invitae), Labcorp); PubMed 21465660 (cited by Labcorp Genetics (formerly Invitae), Labcorp); PubMed 25792669 (cited by Labcorp Genetics (formerly Invitae), Labcorp).